The following is an entry in ClinVar:

NM_000051.4(ATM):c.6119C>G (p.Ala2040Gly)

Genes: ATM (ATM serine/threonine kinase; plus strand), C11orf65 (chromosome 11 open reading frame 65; minus strand). Cytogenetic location: 11q22.3.
Variant type: single nucleotide variant.
Coding change: c.6119C>G on transcript NM_000051.4 (MANE Select); coding-DNA position 6119, C replaced by G.
Protein change: p.Ala2040Gly; replaces alanine 2040 with glycine.
Molecular consequence: missense variant. On other transcripts: intron variant (2).
Genome position (GRCh38, 1-based): chr11:108,316,034, C>G. VCF-style: chr11-108316034-C-G. GRCh37 (hg19) VCF-style: chr11-108186761-C-G.
Other names: c.6119C>G, p.Ala2040Gly (NM_001351834.2); c.641-6963G>C (NM_001330368.2); c.*39-6963G>C (NM_001351110.2); short protein forms A2040G.
Identifiers: ClinVar variation 2014506 (VCV002014506.4), dbSNP rs1299506506, ClinGen allele CA382550410.

ClinVar aggregate classification (germline): Uncertain significance (1 of 4 stars; one submission).

Conditions:
Ataxia-telangiectasia syndrome (AT). Also called: Ataxia-telangiectasia, complementation group D; AT, COMPLEMENTATION GROUP C; ATAXIA-TELANGIECTASIA, COMPLEMENTATION GROUP A; ATAXIA-TELANGIECTASIA, FRESNO VARIANT; Ataxia-telangiectasia, complementation group E; LOUIS-BAR SYNDROME. Identifiers: Orphanet 100, MedGen C0004135, MONDO:0008840, OMIM 208900.

gnomAD v4.1: 2 of 1,614,098 alleles (0.00012%); highest among the groups gnomAD compares: South Asian, 0.0022%; no homozygotes.

Submission:

Labcorp Genetics (formerly Invitae), Labcorp
Classification: Uncertain significance for Ataxia-telangiectasia syndrome. Last evaluated: 2022-11-03. Review status: criteria provided, single submitter. Criteria: Invitae Variant Classification Sherloc (09022015). Collection method: clinical testing. Allele origin: germline.
Comment: This sequence change replaces alanine, which is neutral and non-polar, with glycine, which is neutral and non-polar, at codon 2040 of the ATM protein (p.Ala2040Gly). This variant is not present in population databases (gnomAD no frequency). This variant has not been reported in the literature in individuals affected with ATM-related conditions. Algorithms developed to predict the effect of missense changes on protein structure and function (SIFT, PolyPhen-2, Align-GVGD) all suggest that this variant is likely to be tolerated. In summary, the available evidence is currently insufficient to determine the role of this variant in disease. Therefore, it has been classified as a Variant of Uncertain Significance.